The following is an entry in ClinVar:

NM_145046.5(CALR3):c.360G>T (p.Lys120Asn)

Gene: CALR3 (calreticulin 3; minus strand). Cytogenetic location: 19p13.11.
Variant type: single nucleotide variant.
Coding change: c.360G>T on transcript NM_145046.5 (MANE Select); coding-DNA position 360, G replaced by T.
Protein change: p.Lys120Asn; replaces lysine 120 with asparagine.
Molecular consequence: missense variant.
Genome position (GRCh38, 1-based): chr19:16,490,404, C>A on the plus strand (G>T on the coding strand, the complement: CALR3 is on the minus strand). VCF-style: chr19-16490404-C-A. GRCh37 (hg19) VCF-style: chr19-16601215-C-A.
Other names: short protein forms K120N.
Identifiers: ClinVar variation 659062 (VCV000659062.1), dbSNP rs1599720904, ClinGen allele CA404613086.
Genomic context (GRCh38, chr19:16,490,404, plus strand): 5'-TGTGTTGCACCACGTAAACTCACCAAACATAATATAGTACTGCGATTTTCCATTCAGGTT[C>A]TTCTGGTCAATGTCTGCAGGAAAGACCTTAATGTAGCCCCCTCCACAGTCCATCTTCTGC-3'
Protein context (NP_659483.2, residues 110-130): IKVFPADIDQ[Lys120Asn]NLNGKSQYYI

ClinVar aggregate classification (germline): Uncertain significance (1 of 4 stars; one submission).

Conditions:
Hypertrophic cardiomyopathy 19. Also called: Familial hypertrophic cardiomyopathy 19. Identifiers: MedGen CN077603, MONDO:0013476.

Submission:

Labcorp Genetics (formerly Invitae), Labcorp
Classification: Uncertain significance for Familial hypertrophic cardiomyopathy 19. Last evaluated: 2018-12-05. Review status: criteria provided, single submitter. Criteria: Invitae Variant Classification Sherloc (09022015). Collection method: clinical testing. Allele origin: germline.
Comment: This sequence change replaces lysine with asparagine at codon 120 of the CALR3 protein (p.Lys120Asn). The lysine residue is moderately conserved and there is a moderate physicochemical difference between lysine and asparagine. This variant is not present in population databases (ExAC no frequency). This variant has not been reported in the literature in individuals with CALR3-related conditions. Algorithms developed to predict the effect of missense changes on protein structure and function are either unavailable or do not agree on the potential impact of this missense change (SIFT: "Tolerated"; PolyPhen-2: "Possibly Damaging"; Align-GVGD: "Class C0"). In summary, the available evidence is currently insufficient to determine the role of this variant in disease. Therefore, it has been classified as a Variant of Uncertain Significance.